The following is an entry in ClinVar:

NM_006662.3(SRCAP):c.1240G>A (p.Glu414Lys)

Gene: SRCAP (Snf2 related CREBBP activator protein; plus strand). Cytogenetic location: 16p11.2.
Variant type: single nucleotide variant.
Coding change: c.1240G>A on transcript NM_006662.3 (MANE Select); coding-DNA position 1240, G replaced by A.
Protein change: p.Glu414Lys; replaces glutamic acid 414 with lysine.
Molecular consequence: missense variant.
Genome position (GRCh38, 1-based): chr16:30,711,010, G>A. VCF-style: chr16-30711010-G-A. GRCh37 (hg19) VCF-style: chr16-30722331-G-A.
Other names: short protein forms E414K.
Identifiers: ClinVar variation 3375818 (VCV003375818.2).

ClinVar aggregate classification (germline): Uncertain significance. Review status: criteria provided, multiple submitters, no conflicts (2 of 4 stars). 2 submissions from 2 submitters: Uncertain significance (2). Last evaluated 2024-09-02.

Conditions:
Inborn genetic diseases. Identifiers: MedGen C0950123, MeSH D030342.

gnomAD v4.1: 1 of 1,614,084 alleles (0.000062%); highest among the groups gnomAD compares: Non-Finnish European, 0.000085%; no homozygotes.

Submissions (2):

Ambry Genetics
Classification: Uncertain significance for Inborn genetic diseases. Last evaluated: 2024-09-02. Review status: criteria provided, single submitter. Criteria: Ambry Variant Classification Scheme 2023. Collection method: clinical testing. Allele origin: germline.

GeneDx
Classification: Uncertain significance. Last evaluated: 2024-05-10. Review status: criteria provided, single submitter. Criteria: GeneDx Variant Classification Process June 2021. Collection method: clinical testing. Allele origin: germline. Affected: yes.
Comment: Not observed at significant frequency in large population cohorts (gnomAD); In silico analysis supports that this missense variant has a deleterious effect on protein structure/function; In silico analysis is inconclusive as to whether the variant alters gene splicing. In the absence of RNA/functional studies, the actual effect of this sequence change is unknown.; Has not been previously published as pathogenic or benign to our knowledge